The following is an entry in ClinVar:

NM_004655.4(AXIN2):c.1507A>G (p.Lys503Glu)

Gene: AXIN2 (axin 2; minus strand). Cytogenetic location: 17q24.1.
Variant type: single nucleotide variant.
Coding change: c.1507A>G on transcript NM_004655.4 (MANE Select); coding-DNA position 1507, A replaced by G.
Protein change: p.Lys503Glu; replaces lysine 503 with glutamic acid.
Molecular consequence: missense variant.
Genome position (GRCh38, 1-based): chr17:65,537,529, T>C on the plus strand (A>G on the coding strand, the complement: AXIN2 is on the minus strand). VCF-style: chr17-65537529-T-C. GRCh37 (hg19) VCF-style: chr17-63533647-T-C.
Other names: c.1507A>G, p.Lys503Glu (NM_001363813.1); short protein forms K503E.
Identifiers: ClinVar variation 3009825 (VCV003009825.3), dbSNP rs2043951146, ClinGen allele CA400677374.

ClinVar aggregate classification (germline): Uncertain significance (1 of 4 stars; one submission).

Conditions:
Oligodontia-cancer predisposition syndrome. Also called: TOOTH AGENESIS-COLORECTAL CANCER SYNDROME. Identifiers: Orphanet 300576, MedGen C1837750, MONDO:0012075, OMIM 608615. Disease mechanism: loss of function.

Submission:

Labcorp Genetics (formerly Invitae), Labcorp
Classification: Uncertain significance for Oligodontia-cancer predisposition syndrome. Last evaluated: 2022-12-24. Review status: criteria provided, single submitter. Criteria: Invitae Variant Classification Sherloc (09022015). Collection method: clinical testing. Allele origin: germline.
Comment: In summary, the available evidence is currently insufficient to determine the role of this variant in disease. Therefore, it has been classified as a Variant of Uncertain Significance. Advanced modeling of protein sequence and biophysical properties (such as structural, functional, and spatial information, amino acid conservation, physicochemical variation, residue mobility, and thermodynamic stability) performed at Invitae indicates that this missense variant is not expected to disrupt AXIN2 protein function. This variant has not been reported in the literature in individuals affected with AXIN2-related conditions. This variant is not present in population databases (gnomAD no frequency). This sequence change replaces lysine, which is basic and polar, with glutamic acid, which is acidic and polar, at codon 503 of the AXIN2 protein (p.Lys503Glu).